The following is an entry in ClinVar:

ClinVar aggregate classification (germline): Uncertain significance (1 of 4 stars; one submission).

Conditions:
Hereditary cancer-predisposing syndrome. Also called: Hereditary Cancer Syndrome; Hereditary neoplastic syndrome; Neoplastic Syndromes, Hereditary; Tumor predisposition. Identifiers: Orphanet 140162, MedGen C0027672, MeSH D009386, MONDO:0015356.

Submission:

Ambry Genetics
Classification: Uncertain significance for Hereditary cancer-predisposing syndrome. Last evaluated: 2025-09-10. Review status: criteria provided, single submitter. Criteria: Ambry Variant Classification Scheme 2023. Collection method: clinical testing. Allele origin: germline.
Comment: The p.D600N variant (also known as c.1798G>A), located in coding exon 10 of the DICER1 gene, results from a G to A substitution at nucleotide position 1798. The aspartic acid at codon 600 is replaced by asparagine, an amino acid with highly similar properties. This amino acid position is conserved. In addition, this alteration is predicted to be tolerated by in silico analysis. Based on the available evidence, the clinical significance of this variant remains unclear.

NM_177438.3(DICER1):c.1798G>A (p.Asp600Asn)

Gene: DICER1 (dicer 1, ribonuclease III; minus strand). Cytogenetic location: 14q32.13.
Variant type: single nucleotide variant.
Coding change: c.1798G>A on transcript NM_177438.3 (MANE Select); coding-DNA position 1798, G replaced by A.
Protein change: p.Asp600Asn; replaces aspartic acid 600 with asparagine.
Molecular consequence: missense variant. On other transcripts: non-coding transcript variant (6).
Genome position (GRCh38, 1-based): chr14:95,115,776, C>T on the plus strand (G>A on the coding strand, the complement: DICER1 is on the minus strand). VCF-style: chr14-95115776-C-T. GRCh37 (hg19) VCF-style: chr14-95582113-C-T.
Other names: c.1798G>A, p.Asp600Asn (NM_001395677.1, NM_001395692.1, NM_001395693.1 and 12 more transcripts); c.1393G>A, p.Asp465Asn (NM_001395689.1, NM_001395690.1, NM_001395696.1 and 3 more transcripts); c.1231G>A, p.Asp411Asn (NM_001395691.1); c.115G>A, p.Asp39Asn (NM_001395697.1); c.1516G>A, p.Asp506Asn (NM_001395686.1); short protein forms D39N, D465N, D411N, D506N, D600N.
Identifiers: ClinVar variation 4240547 (VCV004240547.1).
Genomic context (GRCh38, chr14:95,115,776, plus strand): 5'-CGTCAGGCCTCAACACATATGGTGGGAAAACGTCATCATCATCCATGACAGGATCAATGT[C>T]AGTCTCACCAGTATCAACCGACTTGGAACACTTGTTTCTCAAGATCTGAACATTTAAAAA-3'
Protein context (NP_803187.1, residues 590-610): CSKSVDTGET[Asp600Asn]IDPVMDDDDV